The following is an entry in ClinVar:

NM_000271.5(NPC1):c.328G>C (p.Glu110Gln)

Gene: NPC1 (NPC intracellular cholesterol transporter 1; minus strand). Cytogenetic location: 18q11.2.
Variant type: single nucleotide variant.
Coding change: c.328G>C on transcript NM_000271.5 (MANE Select); coding-DNA position 328, G replaced by C.
Protein change: p.Glu110Gln; replaces glutamic acid 110 with glutamine.
Molecular consequence: missense variant.
Genome position (GRCh38, 1-based): chr18:23,568,958, C>G on the plus strand (G>C on the coding strand, the complement: NPC1 is on the minus strand). VCF-style: chr18-23568958-C-G. GRCh37 (hg19) VCF-style: chr18-21148922-C-G.
Other names: short protein forms E110Q.
Identifiers: ClinVar variation 1346566 (VCV001346566.8), dbSNP rs2145527241, ClinGen allele CA401785737.

ClinVar aggregate classification (germline): Uncertain significance (1 of 4 stars; one submission).

Conditions:
Niemann-Pick disease, type C1. Also called: NEUROVISCERAL STORAGE DISEASE WITH VERTICAL SUPRANUCLEAR OPHTHALMOPLEGIA; NIEMANN-PICK DISEASE WITH CHOLESTEROL ESTERIFICATION BLOCK; NIEMANN-PICK DISEASE WITHOUT SPHINGOMYELINASE DEFICIENCY; NIEMANN-PICK DISEASE, CHRONIC NEURONOPATHIC FORM; NIEMANN-PICK DISEASE, VARIANT TYPE C1. Identifiers: Orphanet 646, MedGen C3179455, MONDO:0009757, OMIM 257220.

Submission:

Labcorp Genetics (formerly Invitae), Labcorp
Classification: Uncertain significance for Niemann-Pick disease, type C1. Last evaluated: 2024-10-25. Review status: criteria provided, single submitter. Criteria: Invitae Variant Classification Sherloc (09022015). Collection method: clinical testing. Allele origin: germline.
Comment: This sequence change replaces glutamic acid, which is acidic and polar, with glutamine, which is neutral and polar, at codon 110 of the NPC1 protein (p.Glu110Gln). This variant is not present in population databases (gnomAD no frequency). This variant has not been reported in the literature in individuals affected with NPC1-related conditions. ClinVar contains an entry for this variant (Variation ID: 1346566). Invitae Evidence Modeling of protein sequence and biophysical properties (such as structural, functional, and spatial information, amino acid conservation, physicochemical variation, residue mobility, and thermodynamic stability) has been performed for this missense variant. However, the output from this modeling did not meet the statistical confidence thresholds required to predict the impact of this variant on NPC1 protein function. Algorithms developed to predict the effect of sequence changes on RNA splicing suggest that this variant may create or strengthen a splice site. In summary, the available evidence is currently insufficient to determine the role of this variant in disease. Therefore, it has been classified as a Variant of Uncertain Significance.